The following is an entry in ClinVar:

ClinVar aggregate classification (germline): Uncertain significance (1 of 4 stars; one submission).

Allele frequency attached by ClinVar (database versions not stated): TOPMed below 0.00001.
gnomAD v4.1: 1 of 1,612,904 alleles (0.000062%); no homozygotes.

Submission:

GeneDx
Classification: Uncertain significance. Last evaluated: 2023-03-31. Review status: criteria provided, single submitter. Criteria: GeneDx Variant Classification Process June 2021. Collection method: clinical testing. Allele origin: germline. Affected: yes.
Comment: Not observed at significant frequency in large population cohorts (gnomAD); In silico analysis supports that this missense variant does not alter protein structure/function; Has not been previously published as pathogenic or benign to our knowledge

NM_018489.3(ASH1L):c.6194A>G (p.Asp2065Gly)

Gene: ASH1L (ASH1 like histone lysine methyltransferase; minus strand). Cytogenetic location: 1q22.
Variant type: single nucleotide variant.
Coding change: c.6194A>G on transcript NM_018489.3 (MANE Select); coding-DNA position 6194, A replaced by G.
Protein change: p.Asp2065Gly; replaces aspartic acid 2065 with glycine.
Molecular consequence: missense variant.
Genome position (GRCh38, 1-based): chr1:155,378,532, T>C on the plus strand (A>G on the coding strand, the complement: ASH1L is on the minus strand). VCF-style: chr1-155378532-T-C. GRCh37 (hg19) VCF-style: chr1-155348323-T-C.
Other names: c.6209A>G, p.Asp2070Gly (NM_001366177.2); short protein forms D2065G, D2070G.
Identifiers: ClinVar variation 2581872 (VCV002581872.1), dbSNP rs1283468679, ClinGen allele CA342757081.
Genomic context (GRCh38, chr1:155,378,532, plus strand): 5'-AGGCAGAAAAAATAGCTCCTAAGTTACTCACTTGAACGAATTTTCTTATATAGTGGGACA[T>C]CTGGCTTTTTGTATAGCTAGAAGAAAAGAAGAAAAATCTTGATATAGCATTTAACTTCAA-3'
Protein context (NP_060959.2, residues 2055-2075): WKHNQLYKKP[Asp2065Gly]VPLYKKIRSN